The following is an entry in ClinVar:

ClinVar aggregate classification (germline): Uncertain significance (1 of 4 stars; one submission).

Submission:

ARUP Laboratories, Molecular Genetics and Genomics, ARUP Laboratories
Classification: Uncertain significance. Last evaluated: 2025-05-21. Review status: criteria provided, single submitter. Criteria: ARUP Molecular Germline Variant Investigation Process 2024. Collection method: clinical testing. Allele origin: germline.
Comment: The HOXD10 c.277C>G; p.Pro93Ala variant (rs144865820), to our knowledge, is not reported in the medical literature or gene specific databases. This variant is only observed on five alleles in the Genome Aggregation Database (v2.1.1), indicating it is not a common polymorphism. Computational analyses are uncertain whether this variant is neutral or deleterious (REVEL: 0.362). Due to limited information, the clinical significance of this variant is uncertain at this time.

NM_002148.4(HOXD10):c.277C>G (p.Pro93Ala)

Gene: HOXD10 (homeobox D10; plus strand). Cytogenetic location: 2q31.1.
Variant type: single nucleotide variant.
Coding change: c.277C>G on transcript NM_002148.4 (MANE Select); coding-DNA position 277, C replaced by G.
Protein change: p.Pro93Ala; replaces proline 93 with alanine.
Molecular consequence: missense variant.
Genome position (GRCh38, 1-based): chr2:176,117,110, C>G. VCF-style: chr2-176117110-C-G. GRCh37 (hg19) VCF-style: chr2-176981838-C-G.
Other names: short protein forms P93A.
Identifiers: ClinVar variation 4685837 (VCV004685837.1).